The following is an entry in ClinVar:

ClinVar aggregate classification (germline): Likely benign. Review status: criteria provided, multiple submitters, no conflicts (2 of 4 stars). 2 submissions from 2 submitters: Likely benign (2). Last evaluated 2026-04-01.

Conditions:
Inborn genetic diseases. Identifiers: MedGen C0950123, MeSH D030342.

Submissions (2):

CeGaT Center for Human Genetics Tuebingen
Classification: Likely benign. Last evaluated: 2026-04-01. Review status: criteria provided, single submitter. Criteria: CeGaT Center For Human Genetics Tuebingen Variant Classification Criteria Version 2. Collection method: clinical testing. Allele origin: germline. Affected: yes. Observed: 1 variant allele.
Comment: RTEL1: PM2:Supporting, BP4, BP7

Ambry Genetics
Classification: Likely benign for Inborn genetic diseases. Last evaluated: 2025-12-29. Review status: criteria provided, single submitter. Criteria: Ambry Variant Classification Scheme 2023. Collection method: clinical testing. Allele origin: germline.

NM_001283009.2(RTEL1):c.2118A>G (p.Gly706=)

Genes: RTEL1 (regulator of telomere elongation helicase 1; plus strand), RTEL1-TNFRSF6B (RTEL1-TNFRSF6B readthrough (NMD candidate); plus strand). Cytogenetic location: 20q13.33.
Variant type: single nucleotide variant.
Coding change: c.2118A>G on transcript NM_001283009.2 (MANE Select); coding-DNA position 2118, A replaced by G.
Protein change: p.Gly706=; no amino-acid change (glycine 706 retained).
Molecular consequence: synonymous variant. On other transcripts: non-coding transcript variant (1).
Genome position (GRCh38, 1-based): chr20:63,689,842, A>G. VCF-style: chr20-63689842-A-G. GRCh37 (hg19) VCF-style: chr20-62321195-A-G.
Other names: c.1449A>G, p.Gly483= (NM_001283010.1); c.2118A>G, p.Gly706= (NM_016434.4); c.2190A>G, p.Gly730= (NM_032957.5).
Identifiers: ClinVar variation 4844082 (VCV004844082.3).
Genomic context (GRCh38, chr20:63,689,842, plus strand): 5'-GGCGTCCAGGGCTGTGAACCAGGCCATCGGGCGAGTGATCCGGCACCGCCAGGACTACGG[A>G]GCTGTCTTCCTCTGTGACCACAGGTGCGTGCAGTCCGGTGGCAGGCGCGGCGCCAGGGGA-3'
Protein context (NP_001269938.1, residues 696-716): GRVIRHRQDY[Gly706=]AVFLCDHRFA